The following is an entry in ClinVar:

NM_007294.4(BRCA1):c.2597G>T (p.Arg866Leu)

Gene: BRCA1 (BRCA1 DNA repair associated; minus strand). Cytogenetic location: 17q21.31.
Variant type: single nucleotide variant.
Coding change: c.2597G>T on transcript NM_007294.4 (MANE Select); coding-DNA position 2597, G replaced by T.
Protein change: p.Arg866Leu; replaces arginine 866 with leucine.
Molecular consequence: missense variant. On other transcripts: intron variant (137).
Genome position (GRCh38, 1-based): chr17:43,092,934, C>A on the plus strand (G>T on the coding strand, the complement: BRCA1 is on the minus strand). VCF-style: chr17-43092934-C-A. GRCh37 (hg19) VCF-style: chr17-41244951-C-A.
Other names: c.2261G>T, p.Arg754Leu (NM_001407956.1, NM_001407958.1, NM_001407954.1 and 1 more transcripts); c.2264G>T, p.Arg755Leu (NM_001407957.1, NM_001407947.1, NM_001407948.1 and 6 more transcripts); c.2216G>T, p.Arg739Leu (NM_001407959.1, NM_001407960.1, NM_001407963.1); c.2213G>T, p.Arg738Leu (NM_001407962.1); c.2453G>T, p.Arg818Leu (NM_001407964.1, NM_001407740.1, NM_001407741.1 and 20 more transcripts); c.2093G>T, p.Arg698Leu (NM_001407965.1); c.1709G>T, p.Arg570Leu (NM_001407966.1, NM_001407967.1); c.664+1810G>T (NM_001408444.1, NM_001408438.1, NM_001408430.1 and 12 more transcripts); and 41 more; short protein forms R570L, R698L, R738L, R739L, R754L, R755L, R777L, R778L.
Identifiers: ClinVar variation 4856551 (VCV004856551.1).

ClinVar aggregate classification (germline): Likely benign (1 of 4 stars; one submission).

Conditions:
Breast-ovarian cancer, familial, susceptibility to, 1 (BROVCA1). Also called: OVARIAN CANCER, SUSCEPTIBILITY TO; BRCA1 Hereditary Breast and Ovarian Cancer. Identifiers: Orphanet 145, MedGen C2676676, MONDO:0011450, OMIM 604370. Disease mechanism: loss of function.

gnomAD v4.1: 1 of 1,613,740 alleles (0.000062%); highest among the groups gnomAD compares: Non-Finnish European, 0.000085%; no homozygotes.

Submission:

Cancer Bioinformatics and Tumour Evolution Laboratory, Monash University
Classification: Likely benign for Breast-ovarian cancer, familial, susceptibility to, 1. Last evaluated: 2026-05-01. Review status: criteria provided, single submitter. Criteria: ClinGen BRCA1 and BRCA2 Guidelines, 2024. Collection method: curation. Allele origin: germline. Inheritance: Autosomal dominant inheritance.
Comment: PMID: 19656415 - reported in 1 patient out of 91 in this study. It is a polymorphism reported in the BIC database. Missense variant outside of a functional domain with no splice impact. BRCA1 and BRCA2 VCEP guidelines recommend application of BP1_Strong (PMID: 39142283)

Literature cited by the submitters: PubMed 19656415.